The following is an entry in ClinVar:

NM_004415.4(DSP):c.3018dup (p.Leu1007fs)

Gene: DSP (desmoplakin; plus strand). Cytogenetic location: 6p24.3.
Variant type: Duplication.
Coding change: c.3018dup on transcript NM_004415.4 (MANE Select); coding-DNA position 3018, one base duplicated (A; older notation c.3018dupA).
Protein change: p.Leu1007fs; shifts the reading frame from leucine 1007.
Molecular consequence: frameshift variant.
Genome position (GRCh38, 1-based): chr6:7,578,496, A duplicated. VCF-style (leftmost placement, unchanged base first): chr6-7578495-T-TA. GRCh37 (hg19) VCF-style: chr6-7578728-T-TA.
Other names: c.3018dup, p.Leu1007fs (NM_001008844.3, NM_001319034.2); short protein forms L1007fs.
Identifiers: ClinVar variation 2952754 (VCV002952754.3), dbSNP rs2533919757, ClinGen allele CA2740094248.

ClinVar aggregate classification (germline): Pathogenic (1 of 4 stars; one submission).

Conditions:
Arrhythmogenic cardiomyopathy with wooly hair and keratoderma. Also called: PALMOPLANTAR KERATODERMA WITH LEFT VENTRICULAR CARDIOMYOPATHY AND WOOLLY HAIR; Carvajal syndrome; Arrhythmogenic cardiomyopathy with woolly hair and keratoderma; Dilated cardiomyopathy with woolly hair and keratoderma. Identifiers: Orphanet 65282, MedGen C1854063, MONDO:0011581, OMIM 605676.
Arrhythmogenic right ventricular dysplasia 8 (ARVD8). Also called: Arrhythmogenic Right Ventricular Dysplasia/Cardiomyopathy 8; ARRHYTHMOGENIC RIGHT VENTRICULAR DYSPLASIA, FAMILIAL, 8; ARRHYTHMOGENIC RIGHT VENTRICULAR CARDIOMYOPATHY 8. Identifiers: MedGen C1843896, MONDO:0011831, OMIM 607450.

Submission:

Labcorp Genetics (formerly Invitae), Labcorp
Classification: Pathogenic for Arrhythmogenic cardiomyopathy with wooly hair and keratoderma; Arrhythmogenic right ventricular dysplasia 8. Last evaluated: 2023-10-10. Review status: criteria provided, single submitter. Criteria: Invitae Variant Classification Sherloc (09022015). Collection method: clinical testing. Allele origin: germline.
Comment: This sequence change creates a premature translational stop signal (p.Leu1007Thrfs*13) in the DSP gene. It is expected to result in an absent or disrupted protein product. Loss-of-function variants in DSP are known to be pathogenic (PMID: 20716751, 24503780, 25227139). This variant is not present in population databases (gnomAD no frequency). This variant has not been reported in the literature in individuals affected with DSP-related conditions. For these reasons, this variant has been classified as Pathogenic.

Literature cited by the submitters: PubMed 20716751; PubMed 24503780; PubMed 25227139.